The following is an entry in ClinVar:

ClinVar aggregate classification (germline): Conflicting classifications of pathogenicity. Review status: criteria provided, conflicting classifications (1 of 4 stars). 8 submissions from 8 submitters: Uncertain significance (5); Likely benign (1). 2 of the submissions do not count toward it. Last evaluated 2026-01-01.

Conditions:
Inborn genetic diseases. Identifiers: MedGen C0950123, MeSH D030342.
Autosomal dominant familial hematuria-retinal arteriolar tortuosity-contractures syndrome. Also called: Hereditary Angiopathy with Nephropathy, Aneurysms, and Muscle Cramps (HANAC) Syndrome; Angiopathy, hereditary, with nephropathy, aneurysms, and muscle cramps. Identifiers: Orphanet 73229, MedGen C2673195, MONDO:0012726, OMIM 611773.
Hemorrhage, intracerebral, susceptibility to (ICH). Also called: Stroke, hemorrhagic, susceptibility to. Identifiers: MedGen C3281105, MONDO:0100533, OMIM 614519.
Microangiopathy and leukoencephalopathy, pontine, autosomal dominant. Also called: DEMENTIA, HEREDITARY MULTI-INFARCT, SWEDISH TYPE; Pontine autosomal dominant microangiopathy with leukoencephalopathy. Identifiers: Orphanet 477749, MedGen C5231411, MONDO:0032814, OMIM 618564.
Brain small vessel disease 1 with or without ocular anomalies (BSVD1). Also called: Brain small vessel disease with or without ocular anomalies; PORENCEPHALY, TYPE 1, AUTOSOMAL DOMINANT; BRAIN SMALL VESSEL DISEASE WITH HEMORRHAGE; GOULD SYNDROME 1. Identifiers: Orphanet 2940, Orphanet 36383, Orphanet 99810, MedGen C4755307, MONDO:0008289, OMIM 175780.
Retinal arterial tortuosity. Also called: RETINAL HEMORRHAGE WITH VASCULAR TORTUOSITY; Retinal arteries, tortuosity of. Identifiers: Orphanet 75326, MedGen C0423401, MONDO:0008373, OMIM 180000, HP:0000631.

Allele frequency attached by ClinVar (database versions not stated): gnomAD 0.00001; TOPMed 0.00003; gnomAD exomes 0.00004; ExAC 0.00006.
gnomAD v4.1: 166 of 1,613,968 alleles (0.01%); highest among the groups gnomAD compares: Non-Finnish European, 0.014%; no homozygotes.

Submissions (8):

CeGaT Center for Human Genetics Tuebingen
Classification: Uncertain significance. Last evaluated: 2026-01-01. Review status: criteria provided, single submitter. Criteria: CeGaT Center For Human Genetics Tuebingen Variant Classification Criteria Version 2. Collection method: clinical testing. Allele origin: germline. Affected: yes. Observed: 2 variant alleles.

Labcorp Genetics (formerly Invitae), Labcorp
Classification: Uncertain significance. Last evaluated: 2025-11-21. Review status: criteria provided, single submitter. Criteria: Invitae Variant Classification Sherloc (09022015). Collection method: clinical testing. Allele origin: germline.
Comment: This sequence change replaces proline, which is neutral and non-polar, with arginine, which is basic and polar, at codon 734 of the COL4A1 protein (p.Pro734Arg). This variant is present in population databases (rs527530568, gnomAD 0.008%). This variant has not been reported in the literature in individuals affected with COL4A1-related conditions. ClinVar contains an entry for this variant (Variation ID: 1328308). Invitae Evidence Modeling of protein sequence and biophysical properties (such as structural, functional, and spatial information, amino acid conservation, physicochemical variation, residue mobility, and thermodynamic stability) indicates that this missense variant is not expected to disrupt COL4A1 protein function with a negative predictive value of 95%. In summary, the available evidence is currently insufficient to determine the role of this variant in disease. Therefore, it has been classified as a Variant of Uncertain Significance.

Ambry Genetics
Classification: Likely benign for Inborn genetic diseases. Last evaluated: 2025-02-15. Review status: criteria provided, single submitter. Criteria: Ambry Variant Classification Scheme 2023. Collection method: clinical testing. Allele origin: germline.

GeneDx
Classification: Uncertain significance. Last evaluated: 2024-03-28. Review status: criteria provided, single submitter. Criteria: GeneDx Variant Classification Process June 2021. Collection method: clinical testing. Allele origin: germline. Affected: yes.
Comment: Has not been previously published as pathogenic or benign to our knowledge; In silico analysis supports that this missense variant has a deleterious effect on protein structure/function; Occurs in the triple helical domain at the Y position in the canonical Gly-X-Y repeat; although this variant may have an effect on normal protein folding and function, missense substitution at the Y position is not a common mechanism of disease

Revvity Omics, Revvity
Classification: Uncertain significance. Last evaluated: 2024-02-28. Review status: criteria provided, single submitter. Criteria: ACMG Guidelines, 2015. Collection method: clinical testing. Allele origin: germline.

Fulgent Genetics
Classification: Uncertain significance for Brain small vessel disease 1 with or without ocular anomalies; Retinal arterial tortuosity; Autosomal dominant familial hematuria-retinal arteriolar tortuosity-contractures syndrome; Hemorrhage, intracerebral, susceptibility to; Microangiopathy and leukoencephalopathy, pontine, autosomal dominant. Last evaluated: 2021-10-22. Review status: criteria provided, single submitter. Criteria: ACMG Guidelines, 2015. Collection method: clinical testing. Allele origin: unknown.

Joint Genome Diagnostic Labs from Nijmegen and Maastricht, Radboudumc and MUMC+
Classification: Uncertain significance. Review status: no assertion criteria provided. Collection method: clinical testing. Allele origin: germline. Affected: yes. Study: VKGL Data-share Consensus. Not counted in ClinVar's aggregate classification.

Laboratory of Diagnostic Genome Analysis, Leiden University Medical Center (LUMC)
Classification: Uncertain significance. Review status: no assertion criteria provided. Collection method: clinical testing. Allele origin: germline. Affected: yes. Study: VKGL Data-share Consensus. Not counted in ClinVar's aggregate classification.

NM_001845.6(COL4A1):c.2201C>G (p.Pro734Arg)

Gene: COL4A1 (collagen type IV alpha 1 chain; minus strand). Cytogenetic location: 13q34.
Variant type: single nucleotide variant.
Coding change: c.2201C>G on transcript NM_001845.6 (MANE Select); coding-DNA position 2201, C replaced by G.
Protein change: p.Pro734Arg; replaces proline 734 with arginine.
Molecular consequence: missense variant.
Genome position (GRCh38, 1-based): chr13:110,179,414, G>C on the plus strand (C>G on the coding strand, the complement: COL4A1 is on the minus strand). VCF-style: chr13-110179414-G-C. GRCh37 (hg19) VCF-style: chr13-110831761-G-C.
Other names: c.2201C>G (NM_001845.4); short protein forms P734R.
Identifiers: ClinVar variation 1328308 (VCV001328308.35), dbSNP rs527530568, ClinGen allele CA7047666.
Genomic context (GRCh38, chr13:110,179,414, plus strand): 5'-GGTGTGCCAGGAATGCCGGGAAGACCTGGCAAACCTTTGAGTCCCGGTAGACCAACTCCA[G>C]GCTCTCCCTGAAAATCCCCAAAGCACAGAGAAGCAAATTGATTTGCAAAGTCAGTATTTT-3'
Protein context (NP_001836.3, residues 724-744): NPGVQGQKGE[Pro734Arg]GVGLPGLKGL